The following is an entry in ClinVar:

NM_001711.6(BGN):c.472C>G (p.Pro158Ala)

Gene: BGN (biglycan; plus strand). Cytogenetic location: Xq28.
Variant type: single nucleotide variant.
Coding change: c.472C>G on transcript NM_001711.6 (MANE Select); coding-DNA position 472, C replaced by G.
Protein change: p.Pro158Ala; replaces proline 158 with alanine.
Molecular consequence: missense variant.
Genome position (GRCh38, 1-based): chrX:153,505,983, C>G. VCF-style: chrX-153505983-C-G. GRCh37 (hg19) VCF-style: chrX-152771441-C-G.
Other names: c.472C>G (NM_001711.4); short protein forms P158A.
Identifiers: ClinVar variation 1463824 (VCV001463824.11), dbSNP rs781803267, ClinGen allele CA10547247.

ClinVar aggregate classification (germline): Uncertain significance. Review status: criteria provided, multiple submitters, no conflicts (2 of 4 stars). 4 submissions from 4 submitters: Uncertain significance (4). Last evaluated 2025-08-30.

Conditions:
Cardiovascular phenotype. Identifiers: MedGen CN230736.

Allele frequency attached by ClinVar (database versions not stated): gnomAD exomes 0.00003 and 0.00004; ExAC 0.00007.
gnomAD v4.1: 12 of 1,211,821 alleles (0.00099%); highest among the groups gnomAD compares: Non-Finnish European, 0.0012%; no homozygotes.

Submissions (4):

Ambry Genetics
Classification: Uncertain significance for Cardiovascular phenotype. Last evaluated: 2025-08-30. Review status: criteria provided, single submitter. Criteria: Ambry Variant Classification Scheme 2023. Collection method: clinical testing. Allele origin: germline.
Comment: The p.P158A variant (also known as c.472C>G), located in coding exon 3 of the BGN gene, results from a C to G substitution at nucleotide position 472. The proline at codon 158 is replaced by alanine, an amino acid with highly similar properties. This amino acid position is conserved. In addition, this alteration is predicted to be tolerated by in silico analysis. Based on the available evidence, the clinical significance of this variant remains unclear.

Labcorp Genetics (formerly Invitae), Labcorp
Classification: Uncertain significance. Last evaluated: 2024-12-12. Review status: criteria provided, single submitter. Criteria: Invitae Variant Classification Sherloc (09022015). Collection method: clinical testing. Allele origin: germline.
Comment: This sequence change replaces proline, which is neutral and non-polar, with alanine, which is neutral and non-polar, at codon 158 of the BGN protein (p.Pro158Ala). This variant is present in population databases (rs781803267, gnomAD 0.009%). This variant has not been reported in the literature in individuals affected with BGN-related conditions. ClinVar contains an entry for this variant (Variation ID: 1463824). Invitae Evidence Modeling of protein sequence and biophysical properties (such as structural, functional, and spatial information, amino acid conservation, physicochemical variation, residue mobility, and thermodynamic stability) has been performed for this missense variant. However, the output from this modeling did not meet the statistical confidence thresholds required to predict the impact of this variant on BGN protein function. In summary, the available evidence is currently insufficient to determine the role of this variant in disease. Therefore, it has been classified as a Variant of Uncertain Significance.

Blueprint Genetics
Classification: Uncertain significance. Last evaluated: 2024-03-13. Review status: criteria provided, single submitter. Criteria: ACMG Guidelines, 2015. Collection method: clinical testing. Allele origin: germline.

Clinical Genetics Laboratory, Skane University Hospital Lund
Classification: Uncertain significance. Last evaluated: 2023-09-05. Review status: criteria provided, single submitter. Criteria: ACMG Guidelines, 2015. Collection method: clinical testing. Allele origin: germline. Affected: yes.